The following is an entry in ClinVar:

ClinVar aggregate classification (germline): Uncertain significance. Review status: criteria provided, multiple submitters, no conflicts (2 of 4 stars). 3 submissions from 3 submitters: Uncertain significance (3). Last evaluated 2026-03-25.

Allele frequency attached by ClinVar (database versions not stated): gnomAD exomes 0.00005; ExAC 0.00006.
gnomAD v4.1: 30 of 1,613,846 alleles (0.0019%); highest among the groups gnomAD compares: South Asian, 0.031%; 1 homozygote.

Submissions (3):

GeneDx
Classification: Uncertain significance. Last evaluated: 2026-03-25. Review status: criteria provided, single submitter. Criteria: GeneDx Variant Classification Process June 2021. Collection method: clinical testing. Allele origin: germline.
Comment: In silico analysis supports a deleterious effect on splicing; Has not been previously published as pathogenic or benign to our knowledge; This variant is associated with the following publications: (PMID: 40274276, 22335739, 32778822)

Revvity Omics, Revvity
Classification: Uncertain significance. Last evaluated: 2023-09-24. Review status: criteria provided, single submitter. Criteria: ACMG Guidelines, 2015. Collection method: clinical testing. Allele origin: germline.

Eurofins Ntd Llc (ga)
Classification: Uncertain significance. Last evaluated: 2015-09-03. Review status: criteria provided, single submitter. Criteria: EGL Classification Definitions 2015. Collection method: clinical testing. Allele origin: germline. Observed: 1 variant allele, 1 heterozygote.

NM_001267550.2(TTN):c.88214A>G (p.Gln29405Arg)

Genes: TTN (titin; minus strand), TTN-AS1 (TTN antisense RNA 1; plus strand). Cytogenetic location: 2q31.2.
Variant type: single nucleotide variant.
Coding change: c.88214A>G on transcript NM_001267550.2 (MANE Select); coding-DNA position 88214, A replaced by G.
Protein change: p.Gln29405Arg; replaces glutamine 29405 with arginine.
Molecular consequence: missense variant.
Genome position (GRCh38, 1-based): chr2:178,556,940, T>C on the plus strand (A>G on the coding strand, the complement: TTN is on the minus strand). VCF-style: chr2-178556940-T-C. GRCh37 (hg19) VCF-style: chr2-179421667-T-C.
Other names: c.83291A>G, p.Gln27764Arg (NM_001256850.1); c.61019A>G, p.Gln20340Arg (NM_003319.4); c.80510A>G, p.Gln26837Arg (NM_133378.4); c.61394A>G, p.Gln20465Arg (NM_133432.3); c.61595A>G, p.Gln20532Arg (NM_133437.4); c.88214A>G (NM_001267550.1); short protein forms Q27764R, Q29405R, Q26837R, Q20465R, Q20532R, Q20340R.
Identifiers: ClinVar variation 283069 (VCV000283069.9), dbSNP rs777999009, ClinGen allele CA1988186.